The following is an entry in ClinVar:

ClinVar aggregate classification (germline): Uncertain significance. Review status: criteria provided, multiple submitters, no conflicts (2 of 4 stars). 2 submissions from 2 submitters: Uncertain significance (2). Last evaluated 2023-05-09.

Conditions:
Familial adenomatous polyposis 1 (FAP1). Also called: FAMILIAL ADENOMATOUS POLYPOSIS 1, ATTENUATED; POLYPOSIS, ADENOMATOUS INTESTINAL. Identifiers: MedGen C2713442, MONDO:0021056, OMIM 175100. Disease mechanism: loss of function.
Hereditary cancer-predisposing syndrome. Also called: Tumor predisposition; Hereditary Cancer Syndrome; Neoplastic Syndromes, Hereditary; Hereditary neoplastic syndrome. Identifiers: Orphanet 140162, MedGen C0027672, MeSH D009386, MONDO:0015356.

Submissions (2):

Labcorp Genetics (formerly Invitae), Labcorp
Classification: Uncertain significance for Familial adenomatous polyposis 1. Last evaluated: 2023-05-09. Review status: criteria provided, single submitter. Criteria: Invitae Variant Classification Sherloc (09022015). Collection method: clinical testing. Allele origin: germline.
Comment: In summary, the available evidence is currently insufficient to determine the role of this variant in disease. Therefore, it has been classified as a Variant of Uncertain Significance. Advanced modeling of protein sequence and biophysical properties (such as structural, functional, and spatial information, amino acid conservation, physicochemical variation, residue mobility, and thermodynamic stability) performed at Invitae indicates that this missense variant is not expected to disrupt APC protein function. ClinVar contains an entry for this variant (Variation ID: 822335). This variant has not been reported in the literature in individuals affected with APC-related conditions. This variant is not present in population databases (gnomAD no frequency). This sequence change replaces serine, which is neutral and polar, with isoleucine, which is neutral and non-polar, at codon 98 of the APC protein (p.Ser98Ile).

Ambry Genetics
Classification: Uncertain significance for Hereditary cancer-predisposing syndrome. Last evaluated: 2019-05-23. Review status: criteria provided, single submitter. Criteria: Ambry Variant Classification Scheme 2023. Collection method: clinical testing. Allele origin: germline.
Comment: The p.S98I variant (also known as c.293G>T), located in coding exon 3 of the APC gene, results from a G to T substitution at nucleotide position 293. The serine at codon 98 is replaced by isoleucine, an amino acid with dissimilar properties. This amino acid position is highly conserved in available vertebrate species. In addition, in silico predictors for this gene do not accurately predict pathogenicity. Since supporting evidence is limited at this time, the clinical significance of this alteration remains unclear.

NM_000038.6(APC):c.293G>T (p.Ser98Ile)

Gene: APC (APC regulator of Wnt signaling pathway; plus strand). Cytogenetic location: 5q22.2.
Variant type: single nucleotide variant.
Coding change: c.293G>T on transcript NM_000038.6 (MANE Select); coding-DNA position 293, G replaced by T.
Protein change: p.Ser98Ile; replaces serine 98 with isoleucine.
Molecular consequence: missense variant. On other transcripts: 5 prime UTR variant (1).
Genome position (GRCh38, 1-based): chr5:112,767,261, G>T. VCF-style: chr5-112767261-G-T. GRCh37 (hg19) VCF-style: chr5-112102958-G-T.
Other names: c.293G>T, p.Ser98Ile (NM_001127510.3, NM_001354895.2, NM_001354896.2 and 2 more transcripts); c.323G>T, p.Ser108Ile (NM_001127511.3, NM_001354897.2, NM_001354902.2); c.218G>T, p.Ser73Ile (NM_001354898.2, NM_001354904.2); c.116G>T, p.Ser39Ile (NM_001354900.2, NM_001354901.2, NM_001354905.2); c.-743G>T (NM_001354906.2); short protein forms S39I, S73I, S98I, S108I.
Identifiers: ClinVar variation 822335 (VCV000822335.7), dbSNP rs1580328371, ClinGen allele CA16021972.
Genomic context (GRCh38, chr5:112,767,261, plus strand): 5'-ATAGCAGTAATTTCCCTGGAGTAAAACTGCGGTCAAAAATGTCCCTCCGTTCTTATGGAA[G>T]CCGGGAAGGATCTGTATCAAGCCGTTCTGGAGAGTGCAGTCCTGTTCCTATGGGTTCATT-3'
Protein context (NP_000029.2, residues 88-108): RSKMSLRSYG[Ser98Ile]REGSVSSRSG